The following is an entry in ClinVar:

ClinVar aggregate classification (germline): Pathogenic (1 of 4 stars; one submission).

Conditions:
Very long chain acyl-CoA dehydrogenase deficiency (ACADVLD). Also called: Very Long-Chain Acyl-Coenzyme A Dehydrogenase Deficiency; VLCAD Deficiency. Identifiers: Orphanet 26793, MedGen C3887523, MONDO:0008723, OMIM 201475.

Submission:

Labcorp Genetics (formerly Invitae), Labcorp
Classification: Pathogenic for Very long chain acyl-CoA dehydrogenase deficiency. Last evaluated: 2023-10-16. Review status: criteria provided, single submitter. Criteria: Invitae Variant Classification Sherloc (09022015). Collection method: clinical testing. Allele origin: germline.
Comment: This sequence change creates a premature translational stop signal (p.Ala620Argfs*5) in the ACADVL gene. While this is not anticipated to result in nonsense mediated decay, it is expected to disrupt the last 36 amino acid(s) of the ACADVL protein. This variant is not present in population databases (gnomAD no frequency). This variant has not been reported in the literature in individuals affected with ACADVL-related conditions. This variant disrupts a region of the ACADVL protein in which other variant(s) (p.Val642Met) have been determined to be pathogenic (PMID: 31031081). This suggests that this is a clinically significant region of the protein, and that variants that disrupt it are likely to be disease-causing. For these reasons, this variant has been classified as Pathogenic.

Literature cited by the submitters: PubMed 31031081.

NM_000018.4(ACADVL):c.1857dup (p.Ala620fs)

Gene: ACADVL (acyl-CoA dehydrogenase very long chain; plus strand). Cytogenetic location: 17p13.1.
Variant type: Duplication.
Coding change: c.1857dup on transcript NM_000018.4 (MANE Select); coding-DNA position 1857, one base duplicated (C; older notation c.1857dupC).
Protein change: p.Ala620fs; shifts the reading frame from alanine 620.
Molecular consequence: frameshift variant.
Genome position (GRCh38, 1-based): chr17:7,224,986, C duplicated; the last of 2 consecutive C bases (chr17:7,224,985-7,224,986); duplicating either gives the same sequence. VCF-style (leftmost placement, unchanged base first): chr17-7224984-G-GC. GRCh37 (hg19) VCF-style: chr17-7128303-G-GC.
Other names: c.1791dup, p.Ala598fs (NM_001033859.3); c.1926dup, p.Ala643fs (NM_001270447.2); c.1629dup, p.Ala544fs (NM_001270448.2); short protein forms A598fs, A620fs, A643fs, A544fs.
Identifiers: ClinVar variation 2769158 (VCV002769158.3), dbSNP rs2508373591, ClinGen allele CA2697559360.
Genomic context (GRCh38, chr17:7,224,984, plus strand): 5'-GTGCAGGCCCAACCCCTCCTTCCCTCTCCCCAGGCTGCAGCTCGGATCCGAGAGGGCATG[G>GC]CCGCCCTGCAGTCTGACCCCTGGCAGCAAGAGCTCTACCGCAACTTCAAAAGCATCTCCA-3'